The following is an entry in ClinVar:

NM_182931.3(KMT2E):c.1823C>G (p.Ala608Gly)

Gene: KMT2E (lysine methyltransferase 2E (inactive); plus strand). Cytogenetic location: 7q22.3.
Variant type: single nucleotide variant.
Coding change: c.1823C>G on transcript NM_182931.3 (MANE Select); coding-DNA position 1823, C replaced by G.
Protein change: p.Ala608Gly; replaces alanine 608 with glycine.
Molecular consequence: missense variant.
Genome position (GRCh38, 1-based): chr7:105,101,525, C>G. VCF-style: chr7-105101525-C-G. GRCh37 (hg19) VCF-style: chr7-104741972-C-G.
Other names: c.1823C>G, p.Ala608Gly (NM_001410908.1, NM_018682.4); short protein forms A608G.
Identifiers: ClinVar variation 4744649 (VCV004744649.1).

ClinVar aggregate classification (germline): Uncertain significance (1 of 4 stars; one submission).

Submission:

Labcorp Genetics (formerly Invitae), Labcorp
Classification: Uncertain significance. Last evaluated: 2025-07-14. Review status: criteria provided, single submitter. Criteria: Invitae Variant Classification Sherloc (09022015). Collection method: clinical testing. Allele origin: germline.
Comment: This sequence change replaces alanine, which is neutral and non-polar, with glycine, which is neutral and non-polar, at codon 608 of the KMT2E protein (p.Ala608Gly). This variant is not present in population databases (gnomAD no frequency). This variant has not been reported in the literature in individuals affected with KMT2E-related conditions. Invitae Evidence Modeling of protein sequence and biophysical properties (such as structural, functional, and spatial information, amino acid conservation, physicochemical variation, residue mobility, and thermodynamic stability) indicates that this missense variant is not expected to disrupt KMT2E protein function with a negative predictive value of 80%. In summary, the available evidence is currently insufficient to determine the role of this variant in disease. Therefore, it has been classified as a Variant of Uncertain Significance.